The following is an entry in ClinVar:

NM_182961.4(SYNE1):c.25840G>C (p.Asp8614His)

Gene: SYNE1 (spectrin repeat containing nuclear envelope protein 1; minus strand). Cytogenetic location: 6q25.2.
Variant type: single nucleotide variant.
Coding change: c.25840G>C on transcript NM_182961.4 (MANE Select); coding-DNA position 25840, G replaced by C.
Protein change: p.Asp8614His; replaces aspartic acid 8614 with histidine.
Molecular consequence: missense variant.
Genome position (GRCh38, 1-based): chr6:152,133,437, C>G on the plus strand (G>C on the coding strand, the complement: SYNE1 is on the minus strand). VCF-style: chr6-152133437-C-G. GRCh37 (hg19) VCF-style: chr6-152454572-C-G.
Other names: c.2446G>C, p.Asp816His (NM_001347701.2); c.2374G>C, p.Asp792His (NM_001347702.2); c.25696G>C, p.Asp8566His (NM_033071.5); short protein forms D792H, D816H, D8566H, D8614H.
Identifiers: ClinVar variation 1305083 (VCV001305083.7), dbSNP rs756313747, ClinGen allele CA4052726.
Genomic context (GRCh38, chr6:152,133,437, plus strand): 5'-TTTCTTTGGCTTCTAAACAGTCTGTTCCTTCAGCATTCACCAGTAGTTGGCAAGACATGT[C>G]TTGCAAAGAGGCTACTCTGAGTTGGGATTCCAACAGCTCATGCTTTATTTGCTATGCATA-3'
Protein context (NP_892006.3, residues 8604-8624): ESQLRVASLQ[Asp8614His]MSCQLLVNAE

ClinVar aggregate classification (germline): Uncertain significance. Review status: criteria provided, multiple submitters, no conflicts (2 of 4 stars). 2 submissions from 2 submitters: Uncertain significance (2). Last evaluated 2021-11-08.

Conditions:
Autosomal recessive ataxia, Beauce type. Also called: Spinocerebellar ataxia, autosomal recessive 8; ATAXIA, RECESSIVE, OF BEAUCE; SYNE1 Deficiency; SYNE1-Related Autosomal Recessive Cerebellar Ataxia. Identifiers: Orphanet 88644, MedGen C1853116, MONDO:0012549, OMIM 610743.
Emery-Dreifuss muscular dystrophy 4, autosomal dominant (EDMD4). Also called: EMERY-DREIFUSS MUSCULAR DYSTROPHY 4 WITH VARIABLE FEATURES. Identifiers: Orphanet 261, MedGen C2751807, MONDO:0013071, OMIM 612998.

Allele frequency attached by ClinVar (database versions not stated): gnomAD exomes below 0.00001; ExAC 0.00001.
gnomAD v4.1: 2 of 1,614,204 alleles (0.00012%); highest among the groups gnomAD compares: Admixed American, 0.0017%; no homozygotes.

Submissions (2):

Labcorp Genetics (formerly Invitae), Labcorp
Classification: Uncertain significance for Emery-Dreifuss muscular dystrophy 4, autosomal dominant; Autosomal recessive ataxia, Beauce type. Last evaluated: 2021-11-08. Review status: criteria provided, single submitter. Criteria: Invitae Variant Classification Sherloc (09022015). Collection method: clinical testing. Allele origin: germline.
Comment: In summary, the available evidence is currently insufficient to determine the role of this variant in disease. Therefore, it has been classified as a Variant of Uncertain Significance. Algorithms developed to predict the effect of missense changes on protein structure and function are either unavailable or do not agree on the potential impact of this missense change (SIFT: "Deleterious"; PolyPhen-2: "Probably Damaging"; Align-GVGD: "Class C0"). This variant has not been reported in the literature in individuals affected with SYNE1-related conditions. This variant is present in population databases (rs756313747, gnomAD 0.0009%). This sequence change replaces aspartic acid, which is acidic and polar, with histidine, which is basic and polar, at codon 8566 of the SYNE1 protein (p.Asp8566His).

GeneDx
Classification: Uncertain significance. Last evaluated: 2019-04-11. Review status: criteria provided, single submitter. Criteria: GeneDx Variant Classification Process June 2021. Collection method: clinical testing. Allele origin: germline. Affected: yes.
Comment: Has not been previously published as pathogenic or benign to our knowledge; Not observed at a significant frequency in large population cohorts (Lek et al., 2016); In silico analysis, which includes protein predictors and evolutionary conservation, supports a deleterious effect